The following is an entry in ClinVar:

NM_002439.5(MSH3):c.1140C>G (p.Asp380Glu)

Gene: MSH3 (mutS homolog 3; plus strand). Cytogenetic location: 5q14.1.
Variant type: single nucleotide variant.
Coding change: c.1140C>G on transcript NM_002439.5 (MANE Select); coding-DNA position 1140, C replaced by G.
Protein change: p.Asp380Glu; replaces aspartic acid 380 with glutamic acid.
Molecular consequence: missense variant.
Genome position (GRCh38, 1-based): chr5:80,675,095, C>G. VCF-style: chr5-80675095-C-G. GRCh37 (hg19) VCF-style: chr5-79970914-C-G.
Other names: short protein forms D380E.
Identifiers: ClinVar variation 849993 (VCV000849993.9), dbSNP rs1554067305, ClinGen allele CA360268248.

ClinVar aggregate classification (germline): Uncertain significance (1 of 4 stars; one submission).

Submission:

Labcorp Genetics (formerly Invitae), Labcorp
Classification: Uncertain significance. Last evaluated: 2021-04-04. Review status: criteria provided, single submitter. Criteria: Invitae Variant Classification Sherloc (09022015). Collection method: clinical testing. Allele origin: germline.
Comment: This variant has not been reported in the literature in individuals with MSH3-related conditions. This variant is not present in population databases (ExAC no frequency). This sequence change replaces aspartic acid with glutamic acid at codon 380 of the MSH3 protein (p.Asp380Glu). The aspartic acid residue is highly conserved and there is a small physicochemical difference between aspartic acid and glutamic acid. In summary, the available evidence is currently insufficient to determine the role of this variant in disease. Therefore, it has been classified as a Variant of Uncertain Significance. Algorithms developed to predict the effect of missense changes on protein structure and function output the following: SIFT: "Deleterious"; PolyPhen-2: "Benign"; Align-GVGD: "Class C0". The glutamic acid amino acid residue is found in multiple mammalian species, suggesting that this missense change does not adversely affect protein function. These predictions have not been confirmed by published functional studies and their clinical significance is uncertain.